The following is an entry in ClinVar:

NM_001197104.2(KMT2A):c.1652dup (p.Ser551fs)

Gene: KMT2A (lysine methyltransferase 2A; plus strand). Cytogenetic location: 11q23.3.
Variant type: Duplication.
Coding change: c.1652dup on transcript NM_001197104.2 (MANE Select); coding-DNA position 1652, one base duplicated (G; older notation c.1652dupG).
Protein change: p.Ser551fs; shifts the reading frame from serine 551.
Molecular consequence: frameshift variant.
Genome position (GRCh38, 1-based): chr11:118,472,811, G duplicated. VCF-style (leftmost placement, unchanged base first): chr11-118472810-A-AG. GRCh37 (hg19) VCF-style: chr11-118343525-A-AG.
Other names: c.1652dupG (NM_001197104.2); c.1652dup, p.Ser551fs (NM_005933.4); short protein forms S551fs.
Identifiers: ClinVar variation 1690917 (VCV001690917.2), dbSNP rs2134263239, ClinGen allele CA2573146937.

ClinVar aggregate classification (germline): Pathogenic (1 of 4 stars; one submission).

Submission:

Laboratorio de Genetica e Diagnostico Molecular, Hospital Israelita Albert Einstein
Classification: Pathogenic. Last evaluated: 2020-07-16. Review status: criteria provided, single submitter. Criteria: ACMG Guidelines, 2015. Collection method: clinical testing. Allele origin: germline. Affected: yes.
Comment: ACMG classification criteria: PVS1, PS2, PM2